The following is an entry in ClinVar:

ClinVar aggregate classification (germline): Pathogenic. Review status: criteria provided, multiple submitters, no conflicts (2 of 4 stars). 4 submissions from 4 submitters: Pathogenic (3). 1 of the submissions does not count toward it. Last evaluated 2024-10-28.

Conditions:
Coffin-Siris syndrome 1 (CSS1). Also called: Mental retardation, autosomal dominant 12; ARID1B-Related Coffin-Siris Syndrome. Identifiers: Orphanet 1465, MedGen C3281201, MONDO:0007617, OMIM 135900. Disease mechanism: gain of function.

Submissions (4):

Clinical Genomics Laboratory, Washington University in St. Louis
Classification: Pathogenic for Coffin-Siris syndrome 1. Last evaluated: 2024-10-28. Review status: criteria provided, single submitter. Criteria: ACMG Guidelines, 2015. Collection method: clinical testing. Allele origin: germline. Affected: yes.
Comment: The ARID1B c.7069_7070del (p.Leu2357Glyfs*7) has been reported in two individuals affected with Coffin-Siris syndrome and has been reported as occurring de novo in one individual (Santen GWE et al., PMID: 23929686; Verberne EA et al., PMID:35253369). This variant has been reported in the ClinVar database as a pathogenic variant by two submitters and as a likely pathogenic variant by one submitter (Variation ID: 984629). This variant causes a frameshift by deleting two nucleotides, leading to a premature termination codon; however, because this occurs in the last exon, this is not predicted to lead to nonsense-mediated decay. This variant is absent from the general population (gnomAD v.2.1.1), indicating it is not a common variant. Based on available information and the ACMG/AMP guidelines for variant interpretation (Richards S et al., PMID: 25741868), this variant is classified as pathogenic.

GeneDx
Classification: Pathogenic. Last evaluated: 2024-01-28. Review status: criteria provided, single submitter. Criteria: GeneDx Variant Classification Process June 2021. Collection method: clinical testing. Allele origin: germline.
Comment: Identified in a patient with features of Coffin-Siris syndrome in published literature, although familial segregation and specific clinical information were not provided (PMID: 23929686); Frameshift variant predicted to result in abnormal protein length as the last 16 amino acids are replaced with 6 different amino acids, and other similar variants have been reported in HGMD; Not observed at significant frequency in large population cohorts (gnomAD); This variant is associated with the following publications: (PMID: 33057194, 35982159, 35253369, 31785789, 31526516, 35579625, 35904121, 23929686)

Victorian Clinical Genetics Services, Murdoch Childrens Research Institute
Classification: Pathogenic for Coffin-Siris syndrome 1. Last evaluated: 2023-07-17. Review status: criteria provided, single submitter. Criteria: ACMG Guidelines, 2015. Collection method: clinical testing. Allele origin: germline. Inheritance: Autosomal dominant inheritance. Affected: yes.
Comment: Based on the classification scheme VCGS_Germline_v1.3.4, this variant is classified as Pathogenic. Following criteria are met: 0102 - Loss of function is a known mechanism of disease in this gene and is associated with Coffin-Siris syndrome 1 (MIM#135900). (I) 0107 - This gene is associated with autosomal dominant disease. (I) 0115 - Variants in this gene are known to have variable expressivity (PMID: 33768696). (I) 0205 - Variant is predicted to result in a truncated protein (premature termination codon is NOT located at least 54 nucleotides upstream of the final exon-exon junction) with less than 1/3 of the protein sequence affected. (SP) 0251 - This variant is heterozygous. (I) 0301 - Variant is absent from gnomAD (both v2 and v3). (SP) 0801 - This variant has strong previous evidence of pathogenicity in unrelated individuals. This variant has been classified as likely pathogenic by a clinical laboratory in ClinVar who observed the variant as de novo. This variant has also been classified as pathogenic and observed as de novo in two individuals in DECIPHER and in one individual in a paper with features of Coffin-Siris syndrome (PMID: 35253369). This variant was also classified as a VUS in an individual with Coffin-Siris syndrome with no inheritance information (PMID: 23929686). (SP) Legend: (SP) - Supporting pathogenic, (I) - Information, (SB) - Supporting benign

Department of Genetics, Rouen University Hospital, Normandy Center for Genomic and Personalized Medicine
Classification: Likely pathogenic for Coffin-Siris syndrome 1. Last evaluated: 2020-04-03. Review status: no assertion criteria provided. Collection method: clinical testing. Allele origin: de novo. Affected: yes. Not counted in ClinVar's aggregate classification.

Literature cited by the submitters: PubMed 23929686 (cited by Victorian Clinical Genetics Services, Murdoch Childrens Research Institute); PubMed 33768696 (cited by Victorian Clinical Genetics Services, Murdoch Childrens Research Institute); PubMed 35253369 (cited by Victorian Clinical Genetics Services, Murdoch Childrens Research Institute).

NM_001374828.1(ARID1B):c.7069_7070del (p.Leu2357fs)

Gene: ARID1B (AT-rich interaction domain 1B; plus strand). Cytogenetic location: 6q25.3.
Variant type: Microsatellite.
Coding change: c.7069_7070del on transcript NM_001374828.1 (MANE Select); coding-DNA positions 7069 to 7070, 2 bases deleted (CT; older notation c.7069_7070delCT).
Protein change: p.Leu2357fs; shifts the reading frame from leucine 2357.
Molecular consequence: frameshift variant.
Genome position (GRCh38, 1-based): chr6:157,207,841-157,207,842, CT deleted; deleting any 2 consecutive bases within chr6:157,207,837-157,207,842 gives the same sequence; the c. name uses the placement nearest the transcript's 3' end. VCF-style (leftmost placement, unchanged base first): chr6-157207836-ACT-A. GRCh37 (hg19) VCF-style: chr6-157528970-ACT-A.
Other names: c.4570_4571del, p.Leu1524fs (NM_001363725.2); c.6949_6950del, p.Leu2317fs (NM_001371656.1, NM_001374820.1); c.6910_6911del, p.Leu2304fs (NM_017519.3); c.6700_6701delCT (NM_020732.3); c.6700_6701del (NM_020732.3); short protein forms L1524fs, L2304fs, L2317fs, L2357fs.
Identifiers: ClinVar variation 984629 (VCV000984629.6), dbSNP rs1794584714, ClinGen allele CA658789735.